The following is an entry in ClinVar:

ClinVar aggregate classification (germline): Conflicting classifications of pathogenicity. Review status: criteria provided, conflicting classifications (1 of 4 stars). 3 submissions from 3 submitters: Uncertain significance (2); Likely benign (1). Last evaluated 2025-09-10.

Conditions:
LZTR1-related schwannomatosis. Also called: Schwannomatosis 2; Schwannomatosis-2, susceptibility to. Identifiers: Orphanet 93921, MedGen C3810283, MONDO:0014299, OMIM 615670.
Cardiovascular phenotype. Identifiers: MedGen CN230736.
Hereditary cancer-predisposing syndrome. Also called: Hereditary Cancer Syndrome; Hereditary neoplastic syndrome; Neoplastic Syndromes, Hereditary; Tumor predisposition. Identifiers: Orphanet 140162, MedGen C0027672, MeSH D009386, MONDO:0015356.

Allele frequency attached by ClinVar (database versions not stated): TOPMed below 0.00001; gnomAD 0.00001.
gnomAD v4.1: 2 of 1,580,834 alleles (0.00013%); highest among the groups gnomAD compares: Non-Finnish European, 0.00017%; no homozygotes.

Submissions (3):

Labcorp Genetics (formerly Invitae), Labcorp
Classification: Uncertain significance. Last evaluated: 2025-09-10. Review status: criteria provided, single submitter. Criteria: Invitae Variant Classification Sherloc (09022015). Collection method: clinical testing. Allele origin: germline.
Comment: This sequence change replaces alanine, which is neutral and non-polar, with glycine, which is neutral and non-polar, at codon 489 of the LZTR1 protein (p.Ala489Gly). This variant is not present in population databases (gnomAD no frequency). This variant has not been reported in the literature in individuals affected with LZTR1-related conditions. ClinVar contains an entry for this variant (Variation ID: 1773260). Invitae Evidence Modeling of protein sequence and biophysical properties (such as structural, functional, and spatial information, amino acid conservation, physicochemical variation, residue mobility, and thermodynamic stability) indicates that this missense variant is not expected to disrupt LZTR1 protein function with a negative predictive value of 80%. In summary, the available evidence is currently insufficient to determine the role of this variant in disease. Therefore, it has been classified as a Variant of Uncertain Significance.

Ambry Genetics
Classification: Likely benign for Cardiovascular phenotype; Hereditary cancer-predisposing syndrome. Last evaluated: 2024-11-21. Review status: criteria provided, single submitter. Criteria: Ambry Variant Classification Scheme 2023. Collection method: clinical testing. Allele origin: germline.

Baylor Genetics
Classification: Uncertain significance for LZTR1-related schwannomatosis. Last evaluated: 2023-10-09. Review status: criteria provided, single submitter. Criteria: ACMG Guidelines, 2015. Collection method: clinical testing. Allele origin: unknown.

NM_006767.4(LZTR1):c.1466C>G (p.Ala489Gly)

Gene: LZTR1 (leucine zipper like post translational regulator 1; plus strand). Cytogenetic location: 22q11.21.
Variant type: single nucleotide variant.
Coding change: c.1466C>G on transcript NM_006767.4 (MANE Select); coding-DNA position 1466, C replaced by G.
Protein change: p.Ala489Gly; replaces alanine 489 with glycine.
Molecular consequence: missense variant.
Genome position (GRCh38, 1-based): chr22:20,994,120, C>G. VCF-style: chr22-20994120-C-G. GRCh37 (hg19) VCF-style: chr22-21348409-C-G.
Other names: short protein forms A489G.
Identifiers: ClinVar variation 1773260 (VCV001773260.5), dbSNP rs1327762745, ClinGen allele CA410775504.